The following is an entry in ClinVar:

NM_001034853.2(RPGR):c.1164G>A (p.Ala388=)

Gene: RPGR (retinitis pigmentosa GTPase regulator; minus strand). Cytogenetic location: Xp11.4.
Variant type: single nucleotide variant.
Coding change: c.1164G>A on transcript NM_001034853.2 (MANE Select); coding-DNA position 1164, G replaced by A.
Protein change: p.Ala388=; no amino-acid change (alanine 388 retained).
Molecular consequence: synonymous variant. On other transcripts: non-coding transcript variant (6), intron variant (2).
Genome position (GRCh38, 1-based): chrX:38,299,037, C>T on the plus strand (G>A on the coding strand, the complement: RPGR is on the minus strand). VCF-style: chrX-38299037-C-T. GRCh37 (hg19) VCF-style: chrX-38158290-C-T.
Other names: p.Ala388=; c.1164G>A, p.Ala388= (NM_000328.3, NM_001367247.1); c.1161G>A, p.Ala387= (NM_001367245.1, NM_001367249.1, NM_001367250.1); c.1194G>A, p.Ala398= (NM_001367248.1); c.1060-1585G>A (NM_001367251.1, NM_001367246.1).
Identifiers: ClinVar variation 92849 (VCV000092849.27), dbSNP rs1801686, ClinGen allele CA146031.

ClinVar aggregate classification (germline): Benign. Review status: criteria provided, multiple submitters, no conflicts (2 of 4 stars). 14 submissions from 12 submitters: Benign (13). 1 of the submissions does not count toward it. Last evaluated 2026-02-04.

Conditions:
Primary ciliary dyskinesia. Also called: Ciliary dyskinesia. Identifiers: Orphanet 244, MedGen C0008780, MONDO:0016575, HP:0012265.
Macular degeneration, X-linked atrophic. Identifiers: Orphanet 1872, MedGen C3151784, MONDO:0010443, OMIM 300834.
Retinitis pigmentosa 3. Also called: CHOROIDORETINAL DEGENERATION WITH RETINAL REFLEX IN HETEROZYGOUS WOMEN. Identifiers: Orphanet 791, MedGen C1845667, MONDO:0010227, OMIM 300029.
X-linked cone-rod dystrophy 1 (CORDX1). Identifiers: Orphanet 1872, MedGen C1844776, MONDO:0010566, OMIM 304020.

Allele frequency attached by ClinVar (database versions not stated): 1000 Genomes Project 30x 0.06493; 1000 Genomes Project 0.06596; TOPMed 0.10681; gnomAD exomes 0.10925 and 0.14484; ExAC 0.11208; gnomAD 0.11576 and 0.11812; ESP Exome Variant Server 0.12347.
gnomAD v4.1: 171,189 of 1,209,105 alleles (14%); highest among the groups gnomAD compares: Non-Finnish European, 16%; 9,112 homozygotes.

Submissions (14):

Labcorp Genetics (formerly Invitae), Labcorp
Classification: Benign for Primary ciliary dyskinesia. Last evaluated: 2026-02-04. Review status: criteria provided, single submitter. Criteria: Invitae Variant Classification Sherloc (09022015). Collection method: clinical testing. Allele origin: germline.

Blueprint Genetics
Classification: Benign. Last evaluated: 2024-11-28. Review status: criteria provided, single submitter. Criteria: ACMG Guidelines, 2015. Collection method: clinical testing. Allele origin: germline.

Women's Health and Genetics/Laboratory Corporation of America, LabCorp
Classification: Benign. Last evaluated: 2024-01-11. Review status: criteria provided, single submitter. Criteria: LabCorp Variant Classification Summary - May 2015. Collection method: clinical testing. Allele origin: germline.

Mayo Clinic Laboratories, Mayo Clinic
Classification: Benign. Last evaluated: 2022-04-26. Review status: criteria provided, single submitter. Criteria: ACMG Guidelines, 2015. Collection method: clinical testing. Allele origin: germline. Observed: 51 variant alleles.

Genome-Nilou Lab
Classification: Benign for X-linked cone-rod dystrophy 1. Last evaluated: 2021-11-07. Review status: criteria provided, single submitter. Criteria: ACMG Guidelines, 2015. Collection method: clinical testing. Allele origin: germline. Affected: no.

Genome-Nilou Lab
Classification: Benign for Macular degeneration, X-linked atrophic. Last evaluated: 2021-11-07. Review status: criteria provided, single submitter. Criteria: ACMG Guidelines, 2015. Collection method: clinical testing. Allele origin: germline. Affected: no.

Genome-Nilou Lab
Classification: Benign for Retinitis pigmentosa 3. Last evaluated: 2021-11-07. Review status: criteria provided, single submitter. Criteria: ACMG Guidelines, 2015. Collection method: clinical testing. Allele origin: germline. Affected: no.

GeneDx
Classification: Benign. Last evaluated: 2018-01-03. Review status: criteria provided, single submitter. Criteria: GeneDx Variant Classification (06012015). Collection method: clinical testing. Allele origin: germline. Affected: yes.
Comment: This variant is considered likely benign or benign based on one or more of the following criteria: it is a conservative change, it occurs at a poorly conserved position in the protein, it is predicted to be benign by multiple in silico algorithms, and/or has population frequency not consistent with disease.

Laboratory for Molecular Medicine, Mass General Brigham Personalized Medicine
Classification: Benign. Last evaluated: 2015-01-13. Review status: criteria provided, single submitter. Criteria: LMM Criteria. Collection method: clinical testing. Allele origin: germline. Observed: 4 variant alleles.
Comment: p.Ala388Ala in exon 10 of RPGR: This variant is not expected to have clinical si gnificance because it does not alter an amino acid residue and is not located wi thin the splice consensus sequence. It has been identified in 15.5% (1041/6728) of European American chromosomes from a broad population by the NHLBI Exome Sequ encing Project (dbSNP rs1801686).

Ambry Genetics
Classification: Benign for Primary ciliary dyskinesia. Last evaluated: 2014-12-10. Review status: criteria provided, single submitter. Criteria: Ambry Variant Classification Scheme 2023. Collection method: clinical testing. Allele origin: germline.

Eurofins Ntd Llc (ga)
Classification: Benign. Last evaluated: 2013-01-02. Review status: criteria provided, single submitter. Criteria: EGL Classification Definitions 2015. Collection method: clinical testing. Allele origin: germline. Observed: 4 variant alleles, 1 heterozygote, 1 homozygote, 2 hemizygotes.

Breakthrough Genomics
Classification: Benign. Review status: criteria provided, single submitter. Criteria: ACMG Guidelines, 2015. Collection method: not provided. Allele origin: germline. Inheritance: X-linked inheritance. Affected: yes.

PreventionGenetics, part of Exact Sciences
Classification: Benign. Review status: criteria provided, single submitter. Criteria: ACMG Guidelines, 2015. Collection method: clinical testing. Allele origin: germline.

Retina International
No classification provided. Review status: no classification provided. Collection method: not provided. Allele origin: unknown. Not counted in ClinVar's aggregate classification.